The following is an entry in ClinVar:

ClinVar aggregate classification (germline): Benign (1 of 4 stars; one submission).

Allele frequency attached by ClinVar (database versions not stated): 1000 Genomes Project 30x 0.10447; 1000 Genomes Project 0.10643; TOPMed 0.11807; gnomAD 0.12416 and 0.12597.
gnomAD v4.1: 19,095 of 152,164 alleles (13%); highest among the groups gnomAD compares: Middle Eastern, 21%; 1,337 homozygotes.

Submission:

GeneDx
Classification: Benign. Last evaluated: 2018-06-14. Review status: criteria provided, single submitter. Criteria: GeneDx Variant Classification (06012015). Collection method: clinical testing. Allele origin: germline. Affected: yes.
Comment: This variant is considered likely benign or benign based on one or more of the following criteria: it is a conservative change, it occurs at a poorly conserved position in the protein, it is predicted to be benign by multiple in silico algorithms, and/or has population frequency not consistent with disease.

NM_000232.5(SGCB):c.429+193A>C

Gene: SGCB (sarcoglycan beta; minus strand). Cytogenetic location: 4q12.
Variant type: single nucleotide variant.
Coding change: c.429+193A>C on transcript NM_000232.5 (MANE Select); 193 bases into the intron after coding-DNA position 429, A replaced by C.
Molecular consequence: intron variant.
Genome position (GRCh38, 1-based): chr4:52,029,485, T>G on the plus strand (A>C on the coding strand, the complement: SGCB is on the minus strand). VCF-style: chr4-52029485-T-G. GRCh37 (hg19) VCF-style: chr4-52895651-T-G.
Identifiers: ClinVar variation 670056 (VCV000670056.1), dbSNP rs711350, ClinGen allele CA96782779.